The following is an entry in ClinVar:

NM_000089.4(COL1A2):c.1360G>T (p.Gly454Cys)

Gene: COL1A2 (collagen type I alpha 2 chain; plus strand). Cytogenetic location: 7q21.3.
Variant type: single nucleotide variant.
Coding change: c.1360G>T on transcript NM_000089.4 (MANE Select); coding-DNA position 1360, G replaced by T.
Protein change: p.Gly454Cys; replaces glycine 454 with cysteine.
Molecular consequence: missense variant.
Genome position (GRCh38, 1-based): chr7:94,412,077, G>T. VCF-style: chr7-94412077-G-T. GRCh37 (hg19) VCF-style: chr7-94041389-G-T.
Other names: short protein forms G454C.
Identifiers: ClinVar variation 265388 (VCV000265388.4), dbSNP rs72658117, ClinGen allele CA4347024.
Genomic context (GRCh38, chr7:94,412,077, plus strand): 5'-GAGTATGTAAGTTAAAGTGCCAATATAAAAACATCCTCATTTATTTTATAGGGTCTTCCT[G>T]GTTCCCCTGGAAATATCGGCCCCGCTGGAAAAGAAGGTCCTGTCGTAAGTATTGCTCATT-3'
Protein context (NP_000080.2, residues 444-464): PGLMGPRGLP[Gly454Cys]SPGNIGPAGK

ClinVar aggregate classification (germline): Pathogenic. Review status: criteria provided, multiple submitters, no conflicts (2 of 4 stars). 3 submissions from 3 submitters: Pathogenic (3). Last evaluated 2025-02-11.

Conditions:
COL1A2-related disorder. Also called: COL1A2-related condition; COL1A2-Related Disorders.
Osteogenesis imperfecta, perinatal lethal (OI2). Also called: OI, TYPE II; OSTEOGENESIS IMPERFECTA CONGENITA; OSTEOGENESIS IMPERFECTA, TYPE II; Osteogenesis imperfecta type 2; VROLIK TYPE OF OSTEOGENESIS IMPERFECTA; Osteogenesis imperfecta, dominant perinatal lethal. Identifiers: Orphanet 216804, MedGen C0268358, MONDO:0008147, OMIM 166210.

Allele frequency attached by ClinVar (database versions not stated): ExAC below 0.00001.

Submissions (3):

PreventionGenetics, part of Exact Sciences
Classification: Pathogenic for COL1A2-related condition. Last evaluated: 2025-02-11. Review status: criteria provided, single submitter. Criteria: ACMG Guidelines, 2015. Collection method: clinical testing. Allele origin: germline.
Comment: The COL1A2 c.1360G>T variant is predicted to result in the amino acid substitution p.Gly454Cys. This variant has been reported in multiple individuals with osteogenesis imperfecta (Table S2, Marini et al. 2007. PubMed ID: 17078022; Reported as de novo, He et al. 2021. PubMed ID: 34367232; Pyott et al. 2011. PubMed ID: 21239989; Bodian et al. 2009. PubMed ID: 18996919). This variant has not been reported in a large population database (gnomAD), indicating this variant is rare. Different substitutions affecting the same amino acid (p.Gly454Ala & p.Gly454Val) have also been reported to be pathogenic (additional file 1, Maioli et al. 2019. PubMed ID: 30886339; Alamillo et al. 2015. PubMed ID: 26147564). The p.Gly454 residue is located in the conserved Gly-Xaa-Yaa triple helical domain where substitutions of a glycine are usually pathogenic (Marini et al. 2007. PubMed ID: 17078022). This variant is interpreted as pathogenic.

Victorian Clinical Genetics Services, Murdoch Childrens Research Institute
Classification: Pathogenic for Osteogenesis imperfecta, perinatal lethal. Last evaluated: 2024-10-09. Review status: criteria provided, single submitter. Criteria: ACMG Guidelines, 2015. Collection method: clinical testing. Allele origin: germline. Inheritance: Autosomal dominant inheritance. Affected: yes.
Comment: Based on the classification scheme VCGS_Germline_v1.3.4, this variant is classified as Pathogenic. Following criteria are met: 0103 - Dominant negative and loss of function are known mechanisms of disease in this gene. Heterozygous missense variants causing severe and lethal forms of osteogenesis imperfecta (OI; MIM#166210, #259420, #166220) are due to a dominant negative mechanism, whereas biallelic loss of function variants result in the autosomal recessive form of Ehlers-Danlos syndrome (MIM#225320). The exact mechanism of disease for the autosomal dominant form of Ehlers-Danlos syndrome (MIM#2617821) remains unclear; however, variants have been shown to result in the whole or partial skipping of exon 6 (PMID: 12362985, PMID: 31218159). (I) 0108 - This gene is associated with both recessive and dominant disease. Most phenotypes associated with this gene are autosomal dominant; however, the cardiac valvular type of Ehlers-Danlos syndrome (MIM#225320) is recessive (OMIM). (I) 0115 - Variants in this gene are known to have variable expressivity (PMID: 20301472).(I) 0200 - Variant is predicted to result in a missense amino acid change from glycine to cysteine. (I) 0251 - This variant is heterozygous. (I) 0301 - Variant is absent from gnomAD (both v2 and v3). (SP) 0501 - Missense variant consistently predicted to be damaging by multiple in silico tools or highly conserved with a major amino acid change. (SP) 0601 - Variant is located in the well-established functional Gly-X-Y repeat region and affects a glycine residue (DECIPHER). (SP) 0703 - Other missense variants comparable to the one identified in this case have moderate previous evidence for pathogenicity. The p.(Gly454Val) variant has been reported de novo in two individuals with osteogenesis imperfecta II (PMID: 26147564, PMID: 25356970). In addition, the p.(Gly454Ala) variant has been reported once in an individual with non-lethal osteogenesis imperfecta IV (PMID: 30886339). (SP) 0802 - This variant has moderate previous evidence of pathogenicity in unrelated individuals. It has been reported in multiple individuals with lethal osteogenesis imperfecta II (PMIDs: 17078022, 18996919, 34367232). (SP) 0905 - No published segregation evidence has been identified for this variant. (I) 1007 - No published functional evidence has been identified for this variant. (SP) Legend: (SP) - Supporting pathogenic, (I) - Information, (SB) - Supporting benign

GeneDx
Classification: Pathogenic. Last evaluated: 2018-08-22. Review status: criteria provided, single submitter. Criteria: GeneDx Variant Classification (06012015). Collection method: clinical testing. Allele origin: germline. Affected: yes.
Comment: The G454C missense variant in the COL1A2 gene has not been published as a pathogenic variant, nor has it been reported as a benign variant to our knowledge; however, G454C occurs in the triple helical domain and replaces the Glycine in the canonical Gly-X-Y repeat. Mutations in these Glycines result in poor winding of the collagen triple helix and a less functional protein. The G454C variant was not observed in approximately 6500 individuals of European and African American ancestry in the NHLBI Exome Sequencing Project, indicating it is not a common benign variant in these populations. G454C is a non-conservative amino acid substitution, which is likely to impact secondary protein structure as these residues differ in polarity, charge, size and/or other properties. This substitution occurs at a position that is conserved across species. In silico analysis predicts this variant is probably damaging to the protein structure/function. Another missense variant in the same residue (Gly454Val) and nearby glycine residues (Gly445Arg, Gly448Glu Gly460Ser) have been reported in the Human Gene Mutation Database in association with COL1A2-related disorders (Stenson et al., 2014), supporting the functional importance of this region of the protein.

Literature cited by the submitters: PubMed 12362985 (cited by Victorian Clinical Genetics Services, Murdoch Childrens Research Institute); PubMed 17078022 (cited by Victorian Clinical Genetics Services, Murdoch Childrens Research Institute); PubMed 18996919 (cited by Victorian Clinical Genetics Services, Murdoch Childrens Research Institute); PubMed 20301472 (cited by Victorian Clinical Genetics Services, Murdoch Childrens Research Institute); PubMed 25356970 (cited by Victorian Clinical Genetics Services, Murdoch Childrens Research Institute); PubMed 26147564 (cited by Victorian Clinical Genetics Services, Murdoch Childrens Research Institute); PubMed 30886339 (cited by Victorian Clinical Genetics Services, Murdoch Childrens Research Institute); PubMed 31218159 (cited by Victorian Clinical Genetics Services, Murdoch Childrens Research Institute); PubMed 34367232 (cited by Victorian Clinical Genetics Services, Murdoch Childrens Research Institute).